The following is an entry in ClinVar:

NM_023036.6(DNAI2):c.1375C>T (p.Arg459Trp)

Gene: DNAI2 (dynein axonemal intermediate chain 2; plus strand). Cytogenetic location: 17q25.1.
Variant type: single nucleotide variant.
Coding change: c.1375C>T on transcript NM_023036.6 (MANE Select); coding-DNA position 1375, C replaced by T.
Protein change: p.Arg459Trp; replaces arginine 459 with tryptophan.
Molecular consequence: missense variant. On other transcripts: non-coding transcript variant (1), intron variant (1).
Genome position (GRCh38, 1-based): chr17:74,310,044, C>T. VCF-style: chr17-74310044-C-T. GRCh37 (hg19) VCF-style: chr17-72306183-C-T.
Other names: c.1375C>T, p.Arg459Trp (NM_001353167.2); c.1348-9C>T (NM_001172810.3); c.1375C>T (NM_023036.4); short protein forms R459W.
Identifiers: ClinVar variation 1357060 (VCV001357060.6), dbSNP rs1305647043, ClinGen allele CA400912680.
Genomic context (GRCh38, chr17:74,310,044, plus strand): 5'-CCTCTACCTGGGTCTGCCCGGCCCCTTCAATAGGTGTGTGACGAGGCCCTCTTCTGCCTC[C>T]GGGTGCAGGACAATGGGTGTCTCATCGCCTGCGGCTCCCAGCTGGGGACAACCACCCTGC-3'
Protein context (NP_075462.3, residues 449-469): KVCDEALFCL[Arg459Trp]VQDNGCLIAC

ClinVar aggregate classification (germline): Uncertain significance. Review status: criteria provided, multiple submitters, no conflicts (2 of 4 stars). 2 submissions from 2 submitters: Uncertain significance (2). Last evaluated 2025-04-19.

Conditions:
Primary ciliary dyskinesia. Also called: Ciliary dyskinesia. Identifiers: Orphanet 244, MedGen C0008780, MONDO:0016575, HP:0012265.

Allele frequency attached by ClinVar (database versions not stated): gnomAD exomes 0.00001; gnomAD 0.00003 and 0.00004.

Submissions (2):

Ambry Genetics
Classification: Uncertain significance for Primary ciliary dyskinesia. Last evaluated: 2025-04-19. Review status: criteria provided, single submitter. Criteria: Ambry Variant Classification Scheme 2023. Collection method: clinical testing. Allele origin: germline.
Comment: The p.R459W variant (also known as c.1375C>T), located in coding exon 10 of the DNAI2 gene, results from a C to T substitution at nucleotide position 1375. The arginine at codon 459 is replaced by tryptophan, an amino acid with dissimilar properties. This amino acid position is conserved. In addition, the in silico prediction for this alteration is inconclusive. Based on the available evidence, the clinical significance of this variant remains unclear.

Labcorp Genetics (formerly Invitae), Labcorp
Classification: Uncertain significance for Primary ciliary dyskinesia. Last evaluated: 2021-09-01. Review status: criteria provided, single submitter. Criteria: Invitae Variant Classification Sherloc (09022015). Collection method: clinical testing. Allele origin: germline.
Comment: This sequence change replaces arginine with tryptophan at codon 459 of the DNAI2 protein (p.Arg459Trp). The arginine residue is highly conserved and there is a moderate physicochemical difference between arginine and tryptophan. This variant is not present in population databases (ExAC no frequency). This variant has not been reported in the literature in individuals affected with DNAI2-related conditions. Algorithms developed to predict the effect of missense changes on protein structure and function are either unavailable or do not agree on the potential impact of this missense change (SIFT: "Deleterious"; PolyPhen-2: "Possibly Damaging"; Align-GVGD: "Class C0"). In summary, the available evidence is currently insufficient to determine the role of this variant in disease. Therefore, it has been classified as a Variant of Uncertain Significance.